The following is an entry in ClinVar:

NM_000051.4(ATM):c.2237del (p.Phe746fs)

Gene: ATM (ATM serine/threonine kinase; plus strand). Cytogenetic location: 11q22.3.
Variant type: Deletion.
Coding change: c.2237del on transcript NM_000051.4 (MANE Select); coding-DNA position 2237, one base deleted (T; older notation c.2237delT).
Protein change: p.Phe746fs; shifts the reading frame from phenylalanine 746.
Molecular consequence: frameshift variant.
Genome position (GRCh38, 1-based): chr11:108,256,327, T deleted; the last of 2 consecutive T bases (chr11:108,256,326-108,256,327); deleting either gives the same sequence. VCF-style (leftmost placement, unchanged base first): chr11-108256325-AT-A. GRCh37 (hg19) VCF-style: chr11-108127052-AT-A.
Other names: c.2237del, p.Phe746fs (NM_001351834.2); short protein forms F746fs.
Identifiers: ClinVar variation 3148323 (VCV003148323.1), dbSNP rs2497360914, ClinGen allele CA2825001797.

ClinVar aggregate classification (germline): Pathogenic (1 of 4 stars; one submission).

Conditions:
Familial cancer of breast. Also called: BREAST CANCER, FAMILIAL; Hereditary breast cancer; hereditary breast carcinoma. Identifiers: Orphanet 227535, MedGen C0346153, MONDO:0016419, OMIM 114480. Disease mechanism: loss of function.

Submission:

Myriad Genetics, Inc.
Classification: Pathogenic for Familial cancer of breast. Last evaluated: 2024-01-17. Review status: criteria provided, single submitter. Criteria: Myriad Autosomal Dominant, Autosomal Recessive and X-Linked Classification Criteria (2023). Collection method: clinical testing. Allele origin: unknown.
Comment: This variant is considered pathogenic. This variant creates a frameshift predicted to result in premature protein truncation.